The following is an entry in ClinVar:

NM_020708.5(SLC12A5):c.2685G>C (p.Glu895Asp)

Gene: SLC12A5 (solute carrier family 12 member 5; plus strand). Cytogenetic location: 20q13.12.
Variant type: single nucleotide variant.
Coding change: c.2685G>C on transcript NM_020708.5 (MANE Select); coding-DNA position 2685, G replaced by C.
Protein change: p.Glu895Asp; replaces glutamic acid 895 with aspartic acid.
Molecular consequence: missense variant.
Genome position (GRCh38, 1-based): chr20:46,054,921, G>C. VCF-style: chr20-46054921-G-C. GRCh37 (hg19) VCF-style: chr20-44683560-G-C.
Other names: c.2754G>C, p.Glu918Asp (NM_001134771.2); short protein forms E895D, E918D.
Identifiers: ClinVar variation 1015673 (VCV001015673.11), dbSNP rs1568868408, ClinGen allele CA409206675.

ClinVar aggregate classification (germline): Uncertain significance (1 of 4 stars; one submission).

Conditions:
Developmental and epileptic encephalopathy, 34 (DEE34). Also called: SLC12A5-Related Epilepsy of Infancy with Migrating Focal Seizures; Early infantile epileptic encephalopathy 34. Identifiers: Orphanet 293181, MedGen C4225257, MONDO:0014718, OMIM 616645.

Submission:

Labcorp Genetics (formerly Invitae), Labcorp
Classification: Uncertain significance for Developmental and epileptic encephalopathy, 34. Last evaluated: 2020-01-25. Review status: criteria provided, single submitter. Criteria: Invitae Variant Classification Sherloc (09022015). Collection method: clinical testing. Allele origin: germline.
Comment: This variant has not been reported in the literature in individuals with SLC12A5-related conditions. In summary, the available evidence is currently insufficient to determine the role of this variant in disease. Therefore, it has been classified as a Variant of Uncertain Significance. Algorithms developed to predict the effect of missense changes on protein structure and function (SIFT, PolyPhen-2, Align-GVGD) all suggest that this variant is likely to be tolerated, but these predictions have not been confirmed by published functional studies and their clinical significance is uncertain. This variant is not present in population databases (ExAC no frequency). This sequence change replaces glutamic acid with aspartic acid at codon 895 of the SLC12A5 protein (p.Glu895Asp). The glutamic acid residue is weakly conserved and there is a small physicochemical difference between glutamic acid and aspartic acid.